The following is an entry in ClinVar:

NM_153460.4(IL17RC):c.401C>T (p.Thr134Ile)

Gene: IL17RC (interleukin 17 receptor C; plus strand). Cytogenetic location: 3p25.3.
Variant type: single nucleotide variant.
Coding change: c.401C>T on transcript NM_153460.4 (MANE Select); coding-DNA position 401, C replaced by T.
Protein change: p.Thr134Ile; replaces threonine 134 with isoleucine.
Molecular consequence: missense variant. On other transcripts: non-coding transcript variant (1).
Genome position (GRCh38, 1-based): chr3:9,918,545, C>T. VCF-style: chr3-9918545-C-T. GRCh37 (hg19) VCF-style: chr3-9960229-C-T.
Other names: c.401C>T, p.Thr134Ile (NM_001203263.2, NM_001203264.2, NM_001203265.2 and 4 more transcripts); c.326C>T, p.Thr109Ile (NM_001367279.1); c.614C>T, p.Thr205Ile (NM_153461.4); short protein forms T109I, T134I, T205I.
Identifiers: ClinVar variation 3627339 (VCV003627339.2).

ClinVar aggregate classification (germline): Uncertain significance (1 of 4 stars; one submission).

Conditions:
Candidiasis, familial, 9 (CANDF9). Identifiers: Orphanet 1334, MedGen C4225324, MONDO:0014642, OMIM 616445.

gnomAD v4.1: 12 of 1,614,224 alleles (0.00074%); highest among the groups gnomAD compares: Non-Finnish European, 0.001%; no homozygotes.

Submission:

Labcorp Genetics (formerly Invitae), Labcorp
Classification: Uncertain significance for Candidiasis, familial, 9. Last evaluated: 2024-10-03. Review status: criteria provided, single submitter. Criteria: Invitae Variant Classification Sherloc (09022015). Collection method: clinical testing. Allele origin: germline.
Comment: This sequence change replaces threonine, which is neutral and polar, with isoleucine, which is neutral and non-polar, at codon 205 of the IL17RC protein (p.Thr205Ile). This variant is not present in population databases (gnomAD no frequency). This variant has not been reported in the literature in individuals affected with IL17RC-related conditions. An algorithm developed to predict the effect of missense changes on protein structure and function outputs the following: PolyPhen-2: "Benign". The isoleucine amino acid residue is found in multiple mammalian species, which suggests that this missense change does not adversely affect protein function. In summary, the available evidence is currently insufficient to determine the role of this variant in disease. Therefore, it has been classified as a Variant of Uncertain Significance.